The following is an entry in ClinVar:

NM_015665.6(AAAS):c.649A>G (p.Ile217Val)

Gene: AAAS (aladin WD repeat nucleoporin; minus strand). Cytogenetic location: 12q13.13.
Variant type: single nucleotide variant.
Coding change: c.649A>G on transcript NM_015665.6 (MANE Select); coding-DNA position 649, A replaced by G.
Protein change: p.Ile217Val; replaces isoleucine 217 with valine.
Molecular consequence: missense variant.
Genome position (GRCh38, 1-based): chr12:53,314,338, T>C on the plus strand (A>G on the coding strand, the complement: AAAS is on the minus strand). VCF-style: chr12-53314338-T-C. GRCh37 (hg19) VCF-style: chr12-53708122-T-C.
Other names: c.550A>G, p.Ile184Val (NM_001173466.2); c.649A>G (NM_015665.5); short protein forms I184V, I217V.
Identifiers: ClinVar variation 2671739 (VCV002671739.2), dbSNP rs1174490469, ClinGen allele CA385043001.
Genomic context (GRCh38, chr12:53,314,338, plus strand): 5'-GGCAGGCTACTAGGACTTACCGGGTAGACAAGGAGGTAGGGTCCAGGGTCCAGATAAGAA[T>C]GCAGCTCTGGCAGGCCACAGCCAAGACAGAGGCACTAAGGGGCTTCCAGGCCAGAGACGC-3'
Protein context (NP_056480.1, residues 207-227): SVLAVACQSC[Ile217Val]LIWTLDPTSL

ClinVar aggregate classification (germline): Uncertain significance. Review status: criteria provided, multiple submitters, no conflicts (2 of 4 stars). 2 submissions from 2 submitters: Uncertain significance (2). Last evaluated 2025-05-20.

Conditions:
Inborn genetic diseases. Identifiers: MedGen C0950123, MeSH D030342.
Glucocorticoid deficiency with achalasia (AAAS). Also called: AAA syndrome; Allgrove syndrome; Alacrima-achalasia-addisonianism; ACTH-resistant adrenal insufficiency, achalasia and alacrima; Glucocorticoid deficiency and achalasia; Hypoadrenalism with achalasia. Identifiers: Orphanet 869, MedGen C0271742, MONDO:0009279, OMIM 231550.

Allele frequency attached by ClinVar (database versions not stated): gnomAD exomes below 0.00001.
gnomAD v4.1: 1 of 1,614,138 alleles (0.000062%); highest among the groups gnomAD compares: South Asian, 0.0011%; no homozygotes.

Submissions (2):

Ambry Genetics
Classification: Uncertain significance for Inborn genetic diseases. Last evaluated: 2025-05-20. Review status: criteria provided, single submitter. Criteria: Ambry Variant Classification Scheme 2023. Collection method: clinical testing. Allele origin: germline.

Neuberg Centre For Genomic Medicine, NCGM
Classification: Uncertain significance for Glucocorticoid deficiency with achalasia. Last evaluated: 2023-02-14. Review status: criteria provided, single submitter. Criteria: ACMG Guidelines, 2015. Collection method: clinical testing. Allele origin: germline. Inheritance: Autosomal recessive inheritance. Affected: yes.
Comment: The missense variant c.649A>G(p.Ile217Val) in AAAS gene has not been reported previously as a pathogenic variant nor as a benign variant, to our knowledge. The variant has 0.0004% allele frequency in gnomAD Exomes and is novel (not in any individuals) in 1000 Genomes. The amino acid Isoleucine at position 217 is changed to a Valine changing protein sequence and it might alter its composition and physico-chemical properties. The amino acid change p.Ile217Val in AAAS is predicted as conserved by GERP++ and PhyloP across 100 vertebrates. For these reasons, this variant has been classified as Uncertain Significance. In the absence of another reportable variant, the molecular diagnosis is not confirmed.